The following is an entry in ClinVar:

NM_014000.3(VCL):c.2322dup (p.Glu775fs)

Gene: VCL (vinculin; plus strand). Cytogenetic location: 10q22.2.
Variant type: Duplication.
Coding change: c.2322dup on transcript NM_014000.3 (MANE Select); coding-DNA position 2322, one base duplicated (C; older notation c.2322dupC).
Protein change: p.Glu775fs; shifts the reading frame from glutamic acid 775.
Molecular consequence: frameshift variant.
Genome position (GRCh38, 1-based): chr10:74,105,241, C duplicated; the last of 2 consecutive C bases (chr10:74,105,240-74,105,241); duplicating either gives the same sequence. VCF-style (leftmost placement, unchanged base first): chr10-74105239-T-TC. GRCh37 (hg19) VCF-style: chr10-75864997-T-TC.
Other names: c.2322dup, p.Glu775fs (NM_003373.4); short protein forms E775fs.
Identifiers: ClinVar variation 4856315 (VCV004856315.1).

ClinVar aggregate classification (germline): Uncertain significance (1 of 4 stars; one submission).

Conditions:
Hypertrophic cardiomyopathy 15. Identifiers: MedGen C2750459, MONDO:0013200, OMIM 613255.

Submission:

3billion
Classification: Uncertain significance for Hypertrophic cardiomyopathy 15. Last evaluated: 2025-10-20. Review status: criteria provided, single submitter. Criteria: ACMG Guidelines, 2015. Collection method: clinical testing. Allele origin: germline. Affected: yes.
Comment: The variant is observed at an extremely low frequency in the gnomAD v4.1.0 dataset (total allele frequency: <0.001%). Predicted Consequence/Location: Frameshift: predicted to result in a loss or disruption of normal protein function through nonsense-mediated decay (NMD) or protein truncation. Multiple pathogenic variants are reported downstream of the variant. Therefore, this variant is classified as VUS according to the recommendation of ACMG/AMP guideline.